The following is an entry in ClinVar:

NM_000256.3(MYBPC3):c.26-2A>G

Gene: MYBPC3 (myosin binding protein C3; minus strand). Cytogenetic location: 11p11.2.
Variant type: single nucleotide variant.
Coding change: c.26-2A>G on transcript NM_000256.3 (MANE Select); the canonical splice acceptor site of the intron before coding-DNA position 26, A replaced by G.
Molecular consequence: splice acceptor variant.
Genome position (GRCh38, 1-based): chr11:47,351,507, T>C on the plus strand (A>G on the coding strand, the complement: MYBPC3 is on the minus strand). VCF-style: chr11-47351507-T-C. GRCh37 (hg19) VCF-style: chr11-47373058-T-C.
Identifiers: ClinVar variation 42644 (VCV000042644.94), dbSNP rs376395543, ClinGen allele CA012771.

ClinVar aggregate classification (germline): Uncertain significance. Review status: reviewed by expert panel (3 of 4 stars). 36 submissions from 35 submitters: Uncertain significance (1). 35 of the submissions do not count toward it. Last evaluated 2025-11-13.

Conditions:
MYBPC3-related cardiomyopathies.
MYBPC3-related disorder. Also called: MYBPC3-related disorders; MYBPC3-related condition; MYBPC3-related disease.
Cardiovascular phenotype. Identifiers: MedGen CN230736.
Left ventricular noncompaction 10 (LVNC10). Identifiers: Orphanet 154, Orphanet 54260, MedGen C3715165, MONDO:0014163, OMIM 615396.
Hypertrophic cardiomyopathy 4. Also called: Familial hypertrophic cardiomyopathy 4. Identifiers: MedGen C1861862, MONDO:0007268, OMIM 115197.
Cardiomyopathy (CMYO). Also called: Cardiomyopathies. Identifiers: Orphanet 167848, MedGen C0878544, MONDO:0004994, HP:0001638. Inheritance: Various modes of inheritance.
Primary familial hypertrophic cardiomyopathy (HCM). Identifiers: Orphanet 99739, MedGen C0949658, MeSH D024741, MONDO:0024573. Inheritance: Various modes of inheritance.
Hypertrophic cardiomyopathy. Also called: HYPERTROPHIC MYOCARDIOPATHY. Identifiers: Orphanet 217569, MedGen C0007194, MeSH D002312, MONDO:0005045, HP:0001639.
Intellectual disability. Also called: Intellectual functioning disability; intellectual disabilities; Intellectual developmental disorder. Identifiers: MedGen C3714756, MeSH D008607, MONDO:0001071, HP:0001249.

Allele frequency attached by ClinVar (database versions not stated): ExAC 0.00005; ESP Exome Variant Server 0.00008; gnomAD exomes 0.00003 and 0.00004; gnomAD 0.00002; TOPMed 0.00001.
gnomAD v4.1: 62 of 1,581,032 alleles (0.0039%); highest among the groups gnomAD compares: Non-Finnish European, 0.005%; no homozygotes.

Submissions 1 to 8 of 36:

ClinGen Cardiomyopathy Variant Curation Expert Panel
Classification: Uncertain significance for Hypertrophic cardiomyopathy. Last evaluated: 2025-11-13. Review status: reviewed by expert panel. Criteria: ClinGen CMP ACMG Specifications MYBPC3 V1.0.0. Collection method: curation. Allele origin: germline. Inheritance: Autosomal dominant inheritance.
Comment: NM_000256.3(MYBPC3):c.26-2A>G - This variant occurs within the canonical splice site (+/- 1,2) and is predicted to cause altered splicing by multiple in silico tools leading to loss of the canonical splice acceptor site and creation of a cryptic splice acceptor site 6 nucleotides downstream. If used, this cryptic splice site would lead to an in-frame deletion of 2 amino acids. Therefore, PVS1_Moderate has been applied. This variant has been identified in individuals with HCM (LMM data, OMGL data, PMIDs: 15519027, 18957093, 21750094, 22267749, 23674513, 24510615, 27532257) and was identified to be statistically increased in individuals with HCM compared to controls [OR lower 95% CI>5]. Therefore, the PS4_Supporting criterion has been applied. This variant segregated with disease in at least 4 affected individuals from 3 families with HCM (PP1_Supporting; LMM Data) as well as a family with LVNC that did not contribute to the criteria (PMID:29029073). This variant is present in gnomAD (v2.1.1), but did not meet the threshold for PM2_Supporting. In summary, this variant is classified as Uncertain Significance for HCM in an autosomal dominant manner based on PVS1_Moderate, PS4_Supporting, and PP1_Supporting.

GeneDx
Classification: Pathogenic. Last evaluated: 2026-09-17. Review status: criteria provided, single submitter. Criteria: GeneDx Variant Classification Process June 2021. Collection method: clinical testing. Allele origin: germline. Not counted in ClinVar's aggregate classification.
Comment: Canonical splice site variant predicted to result in an in-frame loss of the adjacent exon in a gene for which loss of function is a known mechanism of disease; Not observed at significant frequency in large population cohorts (gnomAD); This variant is associated with the following publications: (PMID: 25525159, 27532257, 25637381, 18957093, 24510615, 29029073, 15519027, 22267749, 21750094, 27831900, 23674513, 34542152, 35537032, 33258288, 34570182, 32686758, 34691145, 31447099, 33673806, 33087929, 34135346, 37652022, 34493867, 36264615, 37767697, 39160446, 39486665, 34714385, 39096151)

Women's Health and Genetics/Laboratory Corporation of America, LabCorp
Classification: Pathogenic for Cardiomyopathy. Last evaluated: 2026-04-27. Review status: criteria provided, single submitter. Criteria: LabCorp Variant Classification Summary - May 2015. Collection method: clinical testing. Allele origin: germline. Not counted in ClinVar's aggregate classification.
Comment: Variant summary: MYBPC3 c.26-2A>G is located in a canonical splice-site and is predicted to affect mRNA splicing resulting in a significantly altered protein due to either exon skipping, shortening, or inclusion of intronic material. Variants that disrupt the consensus splice site are a relatively common cause of aberrant splicing and loss of MYBPC3 function. Several computational tools predict a significant impact on normal splicing: Three predict the variant abolishes a 3' acceptor site. One predicts the variant strengthens a cryptic 3' acceptor site. Four predict the variant creates a 3' acceptor site. However, these predictions have yet to be confirmed by functional studies. The variant allele was found at a frequency of 2.7e-05 in 223986 control chromosomes. c.26-2A>G has been observed in multiple individuals affected with Cardiomyopathy, including at least 1 family where it segregated with disease (example, Sedaghat-Hamedani_2017, Van Driest_2004). These data indicate that the variant is very likely to be associated with disease. The following publications have been ascertained in the context of this evaluation (PMID: 29029073, 15519027). ClinVar contains an entry for this variant (Variation ID: 42644). Based on the evidence outlined above, the variant was classified as pathogenic.

Ambry Genetics
Classification: Pathogenic for Cardiovascular phenotype. Last evaluated: 2026-04-08. Review status: criteria provided, single submitter. Criteria: Ambry Variant Classification Scheme 2023. Collection method: clinical testing. Allele origin: germline. Not counted in ClinVar's aggregate classification.
Comment: The c.26-2A>G intronic variant consists of an A to G substitution two nucleotides before exon 2 (coding exon 2) of the MYBPC3 gene. Variants that disrupt the canonical splice site are expected to result in aberrant splicing. A resulting transcript is predicted to be in-frame and is not expected to trigger nonsense-mediated mRNA decay, although direct evidence is unavailable. Based on data from gnomAD, the G allele has an overall frequency of 0.003% (7/255378) total alleles studied. The highest observed frequency was 0.005% (6/115748) of European (non-Finnish) alleles. This mutation has been previously reported in individuals with hypertrophic cardiomyopathy (HCM) and left ventricular non-compaction (LVNC) (Van Driest, 2004; Ehlermann, 2008; Page, 2012; Sedaghat-Hamedani, 2017; Walsh, 2017). In silico splice site analysis predicts that this alteration will weaken the native splice acceptor site and will result in the creation or strengthening of a novel splice acceptor site. Based on the available evidence, this alteration is classified as pathogenic.

Institute of Human Genetics, University of Leipzig Medical Center
Classification: Likely pathogenic for Hypertrophic cardiomyopathy 4. Last evaluated: 2026-02-25. Review status: criteria provided, single submitter. Criteria: ACMG Guidelines, 2015. Collection method: clinical testing. Allele origin: unknown. Inheritance: Autosomal dominant inheritance. Affected: yes. Not counted in ClinVar's aggregate classification.
Comment: Criteria applied: PP1_STR,PVS1_MOD,PS4_SUP

Labcorp Genetics (formerly Invitae), Labcorp
Classification: Pathogenic for Hypertrophic cardiomyopathy. Last evaluated: 2026-01-10. Review status: criteria provided, single submitter. Criteria: Invitae Variant Classification Sherloc (09022015). Collection method: clinical testing. Allele origin: germline. Not counted in ClinVar's aggregate classification.
Comment: This sequence change affects an acceptor splice site in intron 1 of the MYBPC3 gene. It is expected to disrupt RNA splicing. Variants that disrupt the donor or acceptor splice site typically lead to a loss of protein function (PMID: 16199547), and loss-of-function variants in MYBPC3 are known to be pathogenic (PMID: 19574547). This variant is present in population databases (rs376395543, gnomAD 0.006%). Disruption of this splice site has been observed in individuals with hypertrophic cardiomyopathy (PMID: 15519027, 18957093, 22267749, 23674513, 24510615, 27532257). ClinVar contains an entry for this variant (Variation ID: 42644). Algorithms developed to predict the effect of sequence changes on RNA splicing suggest that this variant may disrupt the consensus splice site. For these reasons, this variant has been classified as Pathogenic.

PreventionGenetics, part of Exact Sciences
Classification: Pathogenic for MYBPC3-related condition. Last evaluated: 2025-07-10. Review status: criteria provided, single submitter. Criteria: ACMG Guidelines, 2015. Collection method: clinical testing. Allele origin: germline. Not counted in ClinVar's aggregate classification.
Comment: The MYBPC3 c.26-2A>G variant is predicted to disrupt the AG splice acceptor site and interfere with normal splicing. This variant has been reported in multiple patients with hypertrophic cardiomyopathy (Ehlermann et al. 2008. PubMed ID: 18957093; Witjas-Paalberends et al. 2013. PubMed ID: 23674513; Kapplinger et al. 2014. PubMed ID: 24510615; Table S1B, Walsh et al. 2016. PubMed ID: 27532257). This variant is reported in 0.0052% of alleles in individuals of European (Non-Finnish) descent in gnomAD. Variants that disrupt the consensus splice acceptor site in MYBPC3 are expected to be pathogenic. This variant is interpreted as pathogenic.

Rady Children's Institute for Genomic Medicine, Rady Children's Hospital San Diego
Classification: Pathogenic for MYBPC3-related cardiomyopathies. Last evaluated: 2025-02-03. Review status: criteria provided, single submitter. Criteria: ACMG Guidelines, 2015. Collection method: clinical testing. Allele origin: germline. Affected: yes. Not counted in ClinVar's aggregate classification.
Comment: This variant affects the canonical splice acceptor site of intron 1 and is therefore predicted to interfere with splicing and result in loss of normal protein function through either protein truncation or nonsense-mediated mRNA decay. Loss-of-function variation in MYBPC3 is an established mechanism of disease (PMID: 30456444, 32841044). This variant has been previously reported as a heterozygous change in individuals with hypertrophic cardiomyopathy (PMID: 15519027, 18957093, 21750094, 22267749, 24510615). The c.26-2A>G variant is present in the latest version of the gnomAD population database at an allele frequency of 0.004% (62/1581032). Based on the available evidence, c.26-2A>G is classified as Pathogenic.